The following is an entry in ClinVar:

NM_000834.5(GRIN2B):c.2480C>A (p.Ala827Glu)

Gene: GRIN2B (glutamate ionotropic receptor NMDA type subunit 2B; minus strand). Cytogenetic location: 12p13.1.
Variant type: single nucleotide variant.
Coding change: c.2480C>A on transcript NM_000834.5 (MANE Select); coding-DNA position 2480, C replaced by A.
Protein change: p.Ala827Glu; replaces alanine 827 with glutamic acid.
Molecular consequence: missense variant.
Genome position (GRCh38, 1-based): chr12:13,567,143, G>T on the plus strand (C>A on the coding strand, the complement: GRIN2B is on the minus strand). VCF-style: chr12-13567143-G-T. GRCh37 (hg19) VCF-style: chr12-13720077-G-T.
Other names: short protein forms A827E.
Identifiers: ClinVar variation 840512 (VCV000840512.10), dbSNP rs748075089, ClinGen allele CA383996316.

ClinVar aggregate classification (germline): Pathogenic (1 of 4 stars; one submission).

Conditions:
Intellectual developmental disorder, autosomal dominant 6, with or without seizures. Also called: Intellectual disability, autosomal dominant 6; GRIN2B-related developmental delay, intellectual disability and autism spectrum disorder. Identifiers: Orphanet 589547, MedGen C3151411, MONDO:0013509, OMIM 613970.
Developmental and epileptic encephalopathy, 27 (DEE27). Also called: GRIN2B-Related Neurodevelopmental Disorder; Epileptic encephalopathy, early infantile, 27. Identifiers: Orphanet 3451, MedGen C4015316, MONDO:0014505, OMIM 616139.

Submission:

Labcorp Genetics (formerly Invitae), Labcorp
Classification: Pathogenic for Developmental and epileptic encephalopathy, 27; Intellectual developmental disorder, autosomal dominant 6, with or without seizures. Last evaluated: 2022-10-25. Review status: criteria provided, single submitter. Criteria: Invitae Variant Classification Sherloc (09022015). Collection method: clinical testing. Allele origin: germline.
Comment: Advanced modeling of protein sequence and biophysical properties (such as structural, functional, and spatial information, amino acid conservation, physicochemical variation, residue mobility, and thermodynamic stability) performed at Invitae indicates that this missense variant is expected to disrupt GRIN2B protein function. For these reasons, this variant has been classified as Pathogenic. ClinVar contains an entry for this variant (Variation ID: 840512). This sequence change replaces alanine, which is neutral and non-polar, with glutamic acid, which is acidic and polar, at codon 827 of the GRIN2B protein (p.Ala827Glu). This variant is not present in population databases (gnomAD no frequency). This missense change has been observed in individual(s) with clinical features of GRIN2B-related conditions (Invitae). In at least one individual the variant was observed to be de novo.